The following is an entry in ClinVar:

NM_003036.4(SKI):c.602A>G (p.Lys201Arg)

Gene: SKI (SKI proto-oncogene; plus strand). Cytogenetic location: 1p36.33.
Variant type: single nucleotide variant.
Coding change: c.602A>G on transcript NM_003036.4 (MANE Select); coding-DNA position 602, A replaced by G.
Protein change: p.Lys201Arg; replaces lysine 201 with arginine.
Molecular consequence: missense variant.
Genome position (GRCh38, 1-based): chr1:2,229,368, A>G. VCF-style: chr1-2229368-A-G. GRCh37 (hg19) VCF-style: chr1-2160807-A-G.
Other names: short protein forms K201R.
Identifiers: ClinVar variation 1473723 (VCV001473723.8), dbSNP rs2100790534, ClinGen allele CA337954282.

ClinVar aggregate classification (germline): Uncertain significance (1 of 4 stars; one submission).

Conditions:
Shprintzen-Goldberg syndrome (SGS). Also called: Marfanoid disorder with craniosynostosis type 1; Marfanoid craniosynostosis syndrome; Shprintzen-Goldberg marfanoid syndrome; SHPRINTZEN-GOLDBERG CRANIOSYNOSTOSIS SYNDROME; CRANIOSYNOSTOSIS WITH ARACHNODACTYLY AND ABDOMINAL HERNIAS. Identifiers: Orphanet 2462, MedGen C1321551, MONDO:0008426, OMIM 182212.

gnomAD v4.1: 1 of 1,600,622 alleles (0.000062%); no homozygotes.

Submission:

Labcorp Genetics (formerly Invitae), Labcorp
Classification: Uncertain significance for Shprintzen-Goldberg syndrome. Last evaluated: 2024-08-13. Review status: criteria provided, single submitter. Criteria: Invitae Variant Classification Sherloc (09022015). Collection method: clinical testing. Allele origin: germline.
Comment: This sequence change replaces lysine, which is basic and polar, with arginine, which is basic and polar, at codon 201 of the SKI protein (p.Lys201Arg). This variant is not present in population databases (gnomAD no frequency). This variant has not been reported in the literature in individuals affected with SKI-related conditions. ClinVar contains an entry for this variant (Variation ID: 1473723). Advanced modeling of protein sequence and biophysical properties (such as structural, functional, and spatial information, amino acid conservation, physicochemical variation, residue mobility, and thermodynamic stability) has been performed at Invitae for this missense variant, however the output from this modeling did not meet the statistical confidence thresholds required to predict the impact of this variant on SKI protein function. In summary, the available evidence is currently insufficient to determine the role of this variant in disease. Therefore, it has been classified as a Variant of Uncertain Significance.